The following is an entry in ClinVar:

ClinVar aggregate classification (germline): Likely pathogenic (1 of 4 stars; one submission).

Conditions:
Congenital hyperammonemia, type I. Also called: Carbamoyl phosphate synthetase I deficiency disease; CPS I DEFICIENCY; Carbamoyl phosphate synthetase 1 deficiency; Hyperammonemia due to carbamoyl phosphate synthetase 1 deficiency; CPS 1 deficiency; Carbamyl phosphate synthetase (CPS) deficiency. Identifiers: Orphanet 147, MedGen C4082171, MONDO:0009376, OMIM 237300.

Submission:

Natera, Inc.
Classification: Likely pathogenic for Carbamoyl-phosphate synthase I deficiency. Last evaluated: 2024-12-18. Review status: criteria provided, single submitter. Criteria: Natera Variant Classification Schema (03/2026). Collection method: clinical testing. Allele origin: germline.
Comment: The c.2732G>T variant in CPS1 is a missense variant predicted to cause substitution of glycine to valine at amino acid 911. This variant is rare in the general population with a frequency below the threshold expected for the associated phenotype(s). This variant has been observed in one or more individuals affected with the associated recessive disease, as either homozygous or compound heterozygous with a second variant (PMID: 16737834). Functional studies show that this variant may disrupt protein function (PMID: 24813853). A different variant at the same position has been determined to be Pathogenic or Likely Pathogenic. Computational prediction algorithms indicate this variant is likely to affect gene or protein function. Given the available evidence, this variant is classified as Likely Pathogenic.

Literature cited by the submitters: PubMed 16737834; PubMed 24813853.

NM_001875.5(CPS1):c.2732G>T (p.Gly911Val)

Gene: CPS1 (carbamoyl-phosphate synthase 1; plus strand). Cytogenetic location: 2q34.
Variant type: single nucleotide variant.
Coding change: c.2732G>T on transcript NM_001875.5 (MANE Select); coding-DNA position 2732, G replaced by T.
Protein change: p.Gly911Val; replaces glycine 911 with valine.
Molecular consequence: missense variant. On other transcripts: non-coding transcript variant (2).
Genome position (GRCh38, 1-based): chr2:210,637,746, G>T. VCF-style: chr2-210637746-G-T. GRCh37 (hg19) VCF-style: chr2-211502470-G-T.
Other names: c.2732G>T, p.Gly911Val (NM_001122633.3, NM_001369257.1); c.2765G>T, p.Gly922Val (NM_001369256.1); short protein forms G911V, G922V.
Identifiers: ClinVar variation 4814960 (VCV004814960.1).